The following is an entry in ClinVar:

ClinVar aggregate classification (germline): Uncertain significance. Review status: criteria provided, multiple submitters, no conflicts (2 of 4 stars). 2 submissions from 2 submitters: Uncertain significance (2). Last evaluated 2019-09-16.

Conditions:
Myoclonic dystonia 11 (DYT11). Also called: Dystonia, alcohol responsive; Hereditary essential myoclonus; SGCE Myoclonus-Dystonia; Myoclonus-Dystonia; Myoclonic dystonia; Dystonia 11. Identifiers: Orphanet 36899, MedGen C1834570, MONDO:0008044, OMIM 159900.

Allele frequency attached by ClinVar (database versions not stated): gnomAD exomes below 0.00001.

Submissions (2):

Labcorp Genetics (formerly Invitae), Labcorp
Classification: Uncertain significance for Myoclonic dystonia 11. Last evaluated: 2019-09-16. Review status: criteria provided, single submitter. Criteria: Invitae Variant Classification Sherloc (09022015). Collection method: clinical testing. Allele origin: germline.
Comment: This sequence change replaces valine with alanine at codon 179 of the SGCE protein (p.Val179Ala). The valine residue is highly conserved and there is a small physicochemical difference between valine and alanine. In summary, the available evidence is currently insufficient to determine the role of this variant in disease. Therefore, it has been classified as a Variant of Uncertain Significance. Algorithms developed to predict the effect of missense changes on protein structure and function (SIFT, PolyPhen-2, Align-GVGD) all suggest that this variant is likely to be tolerated, but these predictions have not been confirmed by published functional studies and their clinical significance is uncertain. This variant has not been reported in the literature in individuals with SGCE-related conditions. ClinVar contains an entry for this variant (Variation ID: 360993). This variant is not present in population databases (ExAC no frequency).

Illumina Laboratory Services, Illumina
Classification: Uncertain significance for Myoclonic dystonia 11. Last evaluated: 2018-01-13. Review status: criteria provided, single submitter. Criteria: ICSL Variant Classification Criteria 13 December 2019. Collection method: clinical testing. Allele origin: germline.

NM_003919.3(SGCE):c.536T>C (p.Val179Ala)

Genes: CASD1 (CAS1 domain sialic acid O acetyltransferase 1; plus strand), SGCE (sarcoglycan epsilon; minus strand). Cytogenetic location: 7q21.3.
Variant type: single nucleotide variant.
Coding change: c.536T>C on transcript NM_003919.3 (MANE Select); coding-DNA position 536, T replaced by C.
Protein change: p.Val179Ala; replaces valine 179 with alanine.
Molecular consequence: missense variant.
Genome position (GRCh38, 1-based): chr7:94,618,884, A>G on the plus strand (T>C on the coding strand, the complement: SGCE is on the minus strand). VCF-style: chr7-94618884-A-G. GRCh37 (hg19) VCF-style: chr7-94248196-A-G.
Other names: c.536T>C, p.Val179Ala (NM_001099400.2, NM_001099401.2, NM_001346717.2); c.413T>C, p.Val138Ala (NM_001301139.2, NM_001362809.2); c.644T>C, p.Val215Ala (NM_001346713.2, NM_001346715.2); c.449T>C, p.Val150Ala (NM_001346719.2, NM_001362807.2); c.263T>C, p.Val88Ala (NM_001346720.2, NM_001362808.2); short protein forms V179A, V215A, V88A, V150A, V138A.
Identifiers: ClinVar variation 360993 (VCV000360993.14), dbSNP rs886062521, ClinGen allele CA10626604.